The following is an entry in ClinVar:

NM_000193.4(SHH):c.211del (p.Glu71fs)

Gene: SHH (sonic hedgehog signaling molecule; minus strand). Cytogenetic location: 7q36.3.
Variant type: Deletion.
Coding change: c.211del on transcript NM_000193.4 (MANE Select); coding-DNA position 211, one base deleted (G; older notation c.211delG).
Protein change: p.Glu71fs; shifts the reading frame from glutamic acid 71.
Molecular consequence: frameshift variant.
Genome position (GRCh38, 1-based): chr7:155,811,912, C deleted on the plus strand (G on the coding strand, the reverse complement: SHH is on the minus strand). VCF-style (leftmost placement, unchanged base first): chr7-155811911-TC-T. GRCh37 (hg19) VCF-style: chr7-155604605-TC-T.
Other names: c.211delG (NM_000193.4); short protein forms E71fs.
Identifiers: ClinVar variation 3775131 (VCV003775131.1).

ClinVar aggregate classification (germline): Pathogenic (1 of 4 stars; one submission).

Conditions:
Solitary median maxillary central incisor syndrome. Also called: FUSED INCISORS; SINGLE CENTRAL MAXILLARY INCISOR; Solitary median maxillary central incisor; SMMCI SYNDROME; Single Central Incisor Syndrome. Identifiers: MedGen C1840235, MONDO:0007819, OMIM 147250, HP:0006315.

Submission:

Laboratory of Molecular Genetics, CHU Rennes
Classification: Pathogenic for Solitary median maxillary central incisor syndrome. Last evaluated: 2025-02-27. Review status: criteria provided, single submitter. Criteria: ACMG Guidelines, 2015. Collection method: clinical testing. Allele origin: paternal. Inheritance: Oligogenic inheritance. Affected: yes.
Comment: The NM_000193.4:c.211del is a deletion of one base-pair in SHH which is predicted to result in a premature stop codon downstream, and likely results in an absent or disrupted protein product (PVS1). This variant is not present in gnomAD (PM2).